The following is an entry in ClinVar:

NM_020693.4(DSCAML1):c.3130G>A (p.Ala1044Thr)

Gene: DSCAML1 (DS cell adhesion molecule like 1; minus strand). Cytogenetic location: 11q23.3.
Variant type: single nucleotide variant.
Coding change: c.3130G>A on transcript NM_020693.4 (MANE Select); coding-DNA position 3130, G replaced by A.
Protein change: p.Ala1044Thr; replaces alanine 1044 with threonine.
Molecular consequence: missense variant.
Genome position (GRCh38, 1-based): chr11:117,465,077, C>T on the plus strand (G>A on the coding strand, the complement: DSCAML1 is on the minus strand). VCF-style: chr11-117465077-C-T. GRCh37 (hg19) VCF-style: chr11-117335793-C-T.
Other names: short protein forms A1044T.
Identifiers: ClinVar variation 2075128 (VCV002075128.4), dbSNP rs1267185896, ClinGen allele CA382739436.

ClinVar aggregate classification (germline): Uncertain significance (1 of 4 stars; one submission).

Allele frequency attached by ClinVar (database versions not stated): gnomAD exomes 0.00008; gnomAD 0.00001; TOPMed 0.00001.
gnomAD v4.1: 64 of 1,613,990 alleles (0.004%); highest among the groups gnomAD compares: Non-Finnish European, 0.0053%; no homozygotes.

Submission:

Labcorp Genetics (formerly Invitae), Labcorp
Classification: Uncertain significance. Last evaluated: 2026-01-05. Review status: criteria provided, single submitter. Criteria: Invitae Variant Classification Sherloc (09022015). Collection method: clinical testing. Allele origin: germline.
Comment: This sequence change replaces alanine, which is neutral and non-polar, with threonine, which is neutral and polar, at codon 1104 of the DSCAML1 protein (p.Ala1104Thr). This variant is present in population databases (no rsID available, gnomAD 0.0009%). This variant has not been reported in the literature in individuals affected with DSCAML1-related conditions. ClinVar contains an entry for this variant (Variation ID: 2075128). An algorithm developed to predict the effect of missense changes on protein structure and function (PolyPhen-2) suggests that this variant is likely to be tolerated. In summary, the available evidence is currently insufficient to determine the role of this variant in disease. Therefore, it has been classified as a Variant of Uncertain Significance.